The following is an entry in ClinVar:

NM_001040142.2(SCN2A):c.5931T>C (p.Ser1977=)

Gene: SCN2A (sodium voltage-gated channel alpha subunit 2; plus strand). Cytogenetic location: 2q24.3.
Variant type: single nucleotide variant.
Coding change: c.5931T>C on transcript NM_001040142.2 (MANE Select); coding-DNA position 5931, T replaced by C.
Protein change: p.Ser1977=; no amino-acid change (serine 1977 retained).
Molecular consequence: synonymous variant.
Genome position (GRCh38, 1-based): chr2:165,389,737, T>C. VCF-style: chr2-165389737-T-C. GRCh37 (hg19) VCF-style: chr2-166246247-T-C.
Other names: p.S1977S:AGT>AGC; c.5931T>C, p.Ser1977= (NM_001040143.2, NM_001371246.1, NM_001371247.1 and 1 more transcripts).
Identifiers: ClinVar variation 206957 (VCV000206957.17), dbSNP rs187728892, ClinGen allele CA317851.

ClinVar aggregate classification (germline): Benign/Likely benign. Review status: criteria provided, multiple submitters, no conflicts (2 of 4 stars). 5 submissions from 5 submitters: Benign (4); Likely benign (1). Last evaluated 2025-10-17.

Conditions:
Inborn genetic diseases. Identifiers: MedGen C0950123, MeSH D030342.
Developmental and epileptic encephalopathy, 11 (DEE11). Also called: Early infantile epileptic encephalopathy 11. Identifiers: Orphanet 1934, MedGen C3150987, MONDO:0013388, OMIM 613721.
Seizures, benign familial infantile, 3 (BFIS3). Also called: CONVULSIONS, BENIGN FAMILIAL INFANTILE, 3; Familial neonatal seizures. Identifiers: Orphanet 140927, Orphanet 306, MedGen C1843140, MONDO:0011904, OMIM 607745.

Allele frequency attached by ClinVar (database versions not stated): gnomAD exomes 0.00010 and 0.00039; gnomAD 0.00011 and 0.00014; TOPMed 0.00029; ExAC 0.00033; 1000 Genomes Project 0.00060; 1000 Genomes Project 30x 0.00109.
gnomAD v4.1: 162 of 1,613,772 alleles (0.01%); highest among the groups gnomAD compares: East Asian, 0.35%; no homozygotes.

Submissions (5):

Labcorp Genetics (formerly Invitae), Labcorp
Classification: Benign for Seizures, benign familial infantile, 3; Developmental and epileptic encephalopathy, 11. Last evaluated: 2025-10-17. Review status: criteria provided, single submitter. Criteria: Invitae Variant Classification Sherloc (09022015). Collection method: clinical testing. Allele origin: germline.

Blueprint Genetics
Classification: Likely benign. Last evaluated: 2024-10-21. Review status: criteria provided, single submitter. Criteria: ACMG Guidelines, 2015. Collection method: clinical testing. Allele origin: germline.

Ambry Genetics
Classification: Benign for Inborn genetic diseases. Last evaluated: 2019-02-09. Review status: criteria provided, single submitter. Criteria: Ambry Variant Classification Scheme 2023. Collection method: clinical testing. Allele origin: germline.

Illumina Laboratory Services, Illumina
Classification: Benign for Seizures, benign familial infantile, 3. Last evaluated: 2018-01-13. Review status: criteria provided, single submitter. Criteria: ICSL Variant Classification Criteria 13 December 2019. Collection method: clinical testing. Allele origin: germline.
Comment: This variant was observed in the ICSL laboratory as part of a predisposition screen in an ostensibly healthy population. It had not been previously curated by ICSL or reported in the Human Gene Mutation Database (HGMD: prior to June 1st, 2018), and was therefore a candidate for classification through an automated scoring system. Utilizing variant allele frequency, disease prevalence and penetrance estimates, and inheritance mode, an automated score was calculated to assess if this variant is too frequent to cause the disease. Based on the score and internal cut-off values, a variant classified as benign is not then subjected to further curation. The score for this variant resulted in a classification of benign for this disease.

GeneDx
Classification: Benign. Last evaluated: 2014-05-19. Review status: criteria provided, single submitter. Criteria: GeneDx Variant Classification (06012015). Collection method: clinical testing. Allele origin: germline. Affected: yes.
Comment: This variant is considered likely benign or benign based on one or more of the following criteria: it is a conservative change, it occurs at a poorly conserved position in the protein, it is predicted to be benign by multiple in silico algorithms, and/or has population frequency not consistent with disease.